The following is an entry in ClinVar:

NM_006915.3(RP2):c.882del (p.Gly295fs)

Gene: RP2 (RP2 activator of ARL3 GTPase; plus strand). Cytogenetic location: Xp11.3.
Variant type: Deletion.
Coding change: c.882del on transcript NM_006915.3 (MANE Select); coding-DNA position 882, one base deleted (A; older notation c.882delA).
Protein change: p.Gly295fs; shifts the reading frame from glycine 295.
Molecular consequence: frameshift variant.
Genome position (GRCh38, 1-based): chrX:46,860,101, A deleted; the last of 3 consecutive A bases (chrX:46,860,099-46,860,101); deleting any one gives the same sequence. VCF-style (leftmost placement, unchanged base first): chrX-46860098-CA-C. GRCh37 (hg19) VCF-style: chrX-46719533-CA-C.
Other names: short protein forms G295fs.
Identifiers: ClinVar variation 2152344 (VCV002152344.4), dbSNP rs2519918702, ClinGen allele CA2580101073.

ClinVar aggregate classification (germline): Pathogenic (1 of 4 stars; one submission).

Submission:

Labcorp Genetics (formerly Invitae), Labcorp
Classification: Pathogenic. Last evaluated: 2022-05-20. Review status: criteria provided, single submitter. Criteria: Invitae Variant Classification Sherloc (09022015). Collection method: clinical testing. Allele origin: germline.
Comment: For these reasons, this variant has been classified as Pathogenic. This variant disrupts the C-terminus of the RP2 protein. Other variant(s) that disrupt this region (p.Lys323Ilefs*16, p.Asn316Lysfs*13, p.Asn316*) have been observed in individuals with RP2-related conditions (PMID: 18552978, 30029497; Invitae). This suggests that this may be a clinically significant region of the protein. This premature translational stop signal has been observed in individuals with retinal dystrophy (PMID: 29785639; Invitae). This variant is not present in population databases (gnomAD no frequency). This sequence change creates a premature translational stop signal (p.Gly295Valfs*14) in the RP2 gene. While this is not anticipated to result in nonsense mediated decay, it is expected to disrupt the last 56 amino acid(s) of the RP2 protein.

Literature cited by the submitters: PubMed 18552978; PubMed 30029497; PubMed 29785639.